The following is an entry in ClinVar:

ClinVar aggregate classification (germline): Conflicting classifications of pathogenicity. Review status: criteria provided, conflicting classifications (1 of 4 stars). 2 submissions from 2 submitters: Likely pathogenic (1); Uncertain significance (1). Last evaluated 2025-12-22.

Conditions:
KRT14-related disorder. Also called: KRT14-related condition.

Submissions (2):

Labcorp Genetics (formerly Invitae), Labcorp
Classification: Uncertain significance. Last evaluated: 2025-12-22. Review status: criteria provided, single submitter. Criteria: Invitae Variant Classification Sherloc (09022015). Collection method: clinical testing. Allele origin: germline.
Comment: This sequence change replaces asparagine, which is neutral and polar, with lysine, which is basic and polar, at codon 140 of the KRT14 protein (p.Asn140Lys). This variant is not present in population databases (gnomAD no frequency). This missense change has been observed in individual(s) with clinical features of autosomal dominant epidermolysis bullosa (internal data). It has also been observed to segregate with disease in related individuals. Invitae Evidence Modeling of protein sequence and biophysical properties (such as structural, functional, and spatial information, amino acid conservation, physicochemical variation, residue mobility, and thermodynamic stability) has been performed for this missense variant. However, the output from this modeling did not meet the statistical confidence thresholds required to predict the impact of this variant on KRT14 protein function. This variant disrupts the p.Asn140 amino acid residue in KRT14. Other variant(s) that disrupt this residue have been observed in individuals with KRT14-related conditions (PMID: 20199538; internal data), which suggests that this may be a clinically significant amino acid residue. In summary, the available evidence is currently insufficient to determine the role of this variant in disease. Therefore, it has been classified as a Variant of Uncertain Significance.

Blueprint Genetics
Classification: Likely pathogenic for KRT14-related disorders. Last evaluated: 2021-04-15. Review status: criteria provided, single submitter. Criteria: ACMG Guidelines, 2015. Collection method: clinical testing. Allele origin: germline. Affected: yes. Observed: 2 variant alleles.

Literature cited by the submitters: PubMed 20199538 (cited by Labcorp Genetics (formerly Invitae), Labcorp).

NM_000526.5(KRT14):c.420C>A (p.Asn140Lys)

Gene: KRT14 (keratin 14; minus strand). Cytogenetic location: 17q21.2.
Variant type: single nucleotide variant.
Coding change: c.420C>A on transcript NM_000526.5 (MANE Select); coding-DNA position 420, C replaced by A.
Protein change: p.Asn140Lys; replaces asparagine 140 with lysine.
Molecular consequence: missense variant.
Genome position (GRCh38, 1-based): chr17:41,586,415, G>T on the plus strand (C>A on the coding strand, the complement: KRT14 is on the minus strand). VCF-style: chr17-41586415-G-T. GRCh37 (hg19) VCF-style: chr17-39742667-G-T.
Other names: short protein forms N140K.
Identifiers: ClinVar variation 4743561 (VCV004743561.2).